The following is an entry in ClinVar:

ClinVar aggregate classification (germline): Uncertain significance (1 of 4 stars; one submission).

Submission:

Labcorp Genetics (formerly Invitae), Labcorp
Classification: Uncertain significance. Last evaluated: 2019-08-22. Review status: criteria provided, single submitter. Criteria: Invitae Variant Classification Sherloc (09022015). Collection method: clinical testing. Allele origin: germline.
Comment: Algorithms developed to predict the effect of missense changes on protein structure and function (SIFT, PolyPhen-2, Align-GVGD) all suggest that this variant is likely to be disruptive, but these predictions have not been confirmed by published functional studies and their clinical significance is uncertain. In summary, the available evidence is currently insufficient to determine the role of this variant in disease. Therefore, it has been classified as a Variant of Uncertain Significance. This variant disrupts the p.Lys468 amino acid residue in PHEX. Other variant(s) that disrupt this residue have been observed in individuals with PHEX-related conditions (Invitae), which suggests that this may be a clinically significant amino acid residue. This variant is not present in population databases (ExAC no frequency). This sequence change replaces lysine with glutamic acid at codon 468 of the PHEX protein (p.Lys468Glu). The lysine residue is highly conserved and there is a small physicochemical difference between lysine and glutamic acid.

NM_000444.6(PHEX):c.1402A>G (p.Lys468Glu)

Gene: PHEX (phosphate regulating endopeptidase X-linked; plus strand). Cytogenetic location: Xp22.11.
Variant type: single nucleotide variant.
Coding change: c.1402A>G on transcript NM_000444.6 (MANE Select); coding-DNA position 1402, A replaced by G.
Protein change: p.Lys468Glu; replaces lysine 468 with glutamic acid.
Molecular consequence: missense variant.
Genome position (GRCh38, 1-based): chrX:22,133,622, A>G. VCF-style: chrX-22133622-A-G. GRCh37 (hg19) VCF-style: chrX-22151739-A-G.
Other names: c.1402A>G, p.Lys468Glu (NM_001282754.2); short protein forms K468E.
Identifiers: ClinVar variation 942019 (VCV000942019.9), dbSNP rs1602324630, ClinGen allele CA412574795.